The following is an entry in ClinVar:

NM_178857.6(RP1L1):c.526A>G (p.Arg176Gly)

Gene: RP1L1 (RP1 like 1). Cytogenetic location: 8p23.1.
Variant type: single nucleotide variant.
Coding change: c.526A>G on transcript NM_178857.6 (MANE Select); coding-DNA position 526, A replaced by G.
Protein change: p.Arg176Gly; replaces arginine 176 with glycine.
Molecular consequence: missense variant.
Genome position (GRCh38, 1-based): chr8:10,622,676, T>C on the plus strand (A>G on the coding strand, the complement: RP1L1 is on the minus strand). VCF-style: chr8-10622676-T-C. GRCh37 (hg19) VCF-style: chr8-10480186-T-C.
Other names: c.526A>G (NM_178857.5); short protein forms R176G.
Identifiers: ClinVar variation 1374789 (VCV001374789.8), dbSNP rs187343209, ClinGen allele CA4625657.

ClinVar aggregate classification (germline): Uncertain significance. Review status: criteria provided, multiple submitters, no conflicts (2 of 4 stars). 3 submissions from 3 submitters: Uncertain significance (3). Last evaluated 2025-12-20.

Allele frequency attached by ClinVar (database versions not stated): gnomAD exomes 0.00002 and 0.00006; ExAC 0.00007; 1000 Genomes Project 30x 0.00016; ESP Exome Variant Server 0.00016; 1000 Genomes Project 0.00020; gnomAD 0.00036 and 0.00039; TOPMed 0.00044.
gnomAD v4.1: 90 of 1,614,156 alleles (0.0056%); highest among the groups gnomAD compares: African/African-American, 0.089%; no homozygotes.

Submissions (3):

Labcorp Genetics (formerly Invitae), Labcorp
Classification: Uncertain significance. Last evaluated: 2025-12-20. Review status: criteria provided, single submitter. Criteria: Invitae Variant Classification Sherloc (09022015). Collection method: clinical testing. Allele origin: germline.
Comment: This sequence change replaces arginine, which is basic and polar, with glycine, which is neutral and non-polar, at codon 176 of the RP1L1 protein (p.Arg176Gly). This variant is present in population databases (rs187343209, gnomAD 0.07%). This variant has not been reported in the literature in individuals affected with RP1L1-related conditions. ClinVar contains an entry for this variant (Variation ID: 1374789). Invitae Evidence Modeling of protein sequence and biophysical properties (such as structural, functional, and spatial information, amino acid conservation, physicochemical variation, residue mobility, and thermodynamic stability) indicates that this missense variant is not expected to disrupt RP1L1 protein function with a negative predictive value of 80%. In summary, the available evidence is currently insufficient to determine the role of this variant in disease. Therefore, it has been classified as a Variant of Uncertain Significance.

Blueprint Genetics
Classification: Uncertain significance. Last evaluated: 2024-08-15. Review status: criteria provided, single submitter. Criteria: ACMG Guidelines, 2015. Collection method: clinical testing. Allele origin: germline.

GeneDx
Classification: Uncertain significance. Last evaluated: 2023-04-29. Review status: criteria provided, single submitter. Criteria: GeneDx Variant Classification Process June 2021. Collection method: clinical testing. Allele origin: germline. Affected: yes.
Comment: In silico analysis supports that this missense variant has a deleterious effect on protein structure/function; Has not been previously published as pathogenic or benign to our knowledge